The following is an entry in ClinVar:

NM_000939.4(POMC):c.784G>T (p.Ala262Ser)

Gene: POMC (proopiomelanocortin; minus strand). Cytogenetic location: 2p23.3.
Variant type: single nucleotide variant.
Coding change: c.784G>T on transcript NM_000939.4 (MANE Select); coding-DNA position 784, G replaced by T.
Protein change: p.Ala262Ser; replaces alanine 262 with serine.
Molecular consequence: missense variant.
Genome position (GRCh38, 1-based): chr2:25,161,101, C>A on the plus strand (G>T on the coding strand, the complement: POMC is on the minus strand). VCF-style: chr2-25161101-C-A. GRCh37 (hg19) VCF-style: chr2-25383970-C-A.
Other names: c.784G>T, p.Ala262Ser (NM_001035256.3, NM_001319204.2, NM_001319205.2); short protein forms A262S.
Identifiers: ClinVar variation 4993468 (VCV004993468.1).

ClinVar aggregate classification (germline): Uncertain significance (1 of 4 stars; one submission).

Conditions:
POMC-related disorder. Also called: POMC-related condition; POMC-related disorders.

Submission:

PreventionGenetics, part of Exact Sciences
Classification: Uncertain significance for POMC-related condition. Last evaluated: 2026-03-03. Review status: criteria provided, single submitter. Criteria: ACMG Guidelines, 2015. Collection method: clinical testing. Allele origin: germline.
Comment: The POMC c.784G>T variant is predicted to result in the amino acid substitution p.Ala262Ser. In vitro functional studies showed function similar to wild-type levels (Supplemental Data Set, Shah et al. 2023. PubMed ID: 36864747). This variant has not been reported in a large population database (gnomAD), indicating this variant is rare. At this time, the clinical significance of this variant is uncertain due to the absence of conclusive functional and genetic evidence.